The following is an entry in ClinVar:

NM_203447.4(DOCK8):c.6019dup (p.Tyr2007fs)

Gene: DOCK8 (dedicator of cytokinesis 8; plus strand). Cytogenetic location: 9p24.3.
Variant type: Duplication.
Coding change: c.6019dup on transcript NM_203447.4 (MANE Select); coding-DNA position 6019, one base duplicated (T; older notation c.6019dupT).
Protein change: p.Tyr2007fs; shifts the reading frame from tyrosine 2007.
Molecular consequence: frameshift variant.
Genome position (GRCh38, 1-based): chr9:452,068, T duplicated. VCF-style (leftmost placement, unchanged base first): chr9-452067-C-CT. GRCh37 (hg19) VCF-style: chr9-452067-C-CT.
Other names: c.5719dup, p.Tyr1907fs (NM_001190458.2); c.5815dup, p.Tyr1939fs (NM_001193536.2); short protein forms Y1907fs, Y1939fs, Y2007fs.
Identifiers: ClinVar variation 224488 (VCV000224488.4), dbSNP rs869312169, ClinGen allele CA353475.
Genomic context (GRCh38, chr9:452,067, plus strand): 5'-CCAGGGACCACTGGAAGTAGCCCAAGTGTTTTTGGCTGAAATTCCTGCTGATCCAAAACT[C>CT]TATCGACATCACAACAAGTTGAGGTTATGCTTTAAGGAATTCATCATGAGGTAAGAAGGA-3'

ClinVar aggregate classification (germline): Pathogenic. Review status: criteria provided, multiple submitters, no conflicts (2 of 4 stars). 2 submissions from 2 submitters: Pathogenic (2). Last evaluated 2025-12-08.

Conditions:
Combined immunodeficiency due to DOCK8 deficiency (HIES2). Also called: HIES autosomal recessive; Hyper-IgE recurrent infection syndrome, autosomal recessive; HYPER-IgE RECURRENT INFECTION SYNDROME 2, AUTOSOMAL RECESSIVE; DOCK8 Deficiency; HYPER-IgE SYNDROME 2, AUTOSOMAL RECESSIVE, WITH RECURRENT INFECTIONS. Identifiers: Orphanet 217390, MedGen C4722305, MONDO:0009478, OMIM 243700.

Allele frequency attached by ClinVar (database versions not stated): gnomAD exomes 0.00001.

Submissions (2):

Labcorp Genetics (formerly Invitae), Labcorp
Classification: Pathogenic for Combined immunodeficiency due to DOCK8 deficiency. Last evaluated: 2025-12-08. Review status: criteria provided, single submitter. Criteria: Invitae Variant Classification Sherloc (09022015). Collection method: clinical testing. Allele origin: germline.
Comment: This sequence change creates a premature translational stop signal (p.Tyr2007Leufs*12) in the DOCK8 gene. It is expected to result in an absent or disrupted protein product. Loss-of-function variants in DOCK8 are known to be pathogenic (PMID: 14722525, 19776401). This variant is not present in population databases (gnomAD no frequency). This premature translational stop signal has been observed in individual(s) with clinical features of DOCK8-related conditions (PMID: 24797421). This variant is also known as c.5815_5816insT. ClinVar contains an entry for this variant (Variation ID: 224488). For these reasons, this variant has been classified as Pathogenic.

Oxford Medical Genetics Laboratories, Oxford University Hospitals NHS Foundation Trust
Classification: Pathogenic for Combined immunodeficiency due to DOCK8 deficiency. Last evaluated: 2015-08-25. Review status: criteria provided, single submitter. Criteria: Kienzler et al. (Clin Immunol. 2016). Collection method: clinical testing. Allele origin: maternal, germline. Inheritance: Autosomal recessive inheritance. Affected: yes and no. Observed: 1 heterozygote, 1 compound heterozygote.

Literature cited by the submitters: PubMed 14722525 (cited by Labcorp Genetics (formerly Invitae), Labcorp); PubMed 19776401 (cited by Labcorp Genetics (formerly Invitae), Labcorp); PubMed 24797421 (cited by Labcorp Genetics (formerly Invitae), Labcorp).